The following is an entry in ClinVar:

NM_002474.3(MYH11):c.2222T>C (p.Met741Thr)

Gene: MYH11 (myosin heavy chain 11; minus strand). Cytogenetic location: 16p13.11.
Variant type: single nucleotide variant.
Coding change: c.2222T>C on transcript NM_002474.3 (MANE Select); coding-DNA position 2222, T replaced by C.
Protein change: p.Met741Thr; replaces methionine 741 with threonine.
Molecular consequence: missense variant.
Genome position (GRCh38, 1-based): chr16:15,747,902, A>G on the plus strand (T>C on the coding strand, the complement: MYH11 is on the minus strand). VCF-style: chr16-15747902-A-G. GRCh37 (hg19) VCF-style: chr16-15841759-A-G.
Other names: c.2243T>C, p.Met748Thr (NM_001040113.2, NM_001040114.2); c.2222T>C, p.Met741Thr (NM_022844.3); short protein forms M748T, M741T.
Identifiers: ClinVar variation 496657 (VCV000496657.3), dbSNP rs1555560373, ClinGen allele CA394867730.

ClinVar aggregate classification (germline): Uncertain significance (1 of 4 stars; one submission).

Conditions:
Congenital aneurysm of ascending aorta (AAT1). Also called: AORTIC ANEURYSM, FAMILIAL THORACIC 1; ANNULOAORTIC ECTASIA; Aortic aneurysm, thoracic; Familial thoracic aortic aneurysm. Identifiers: Orphanet 229, MedGen C0345050, MONDO:0024559, OMIM 607086.

Allele frequency attached by ClinVar (database versions not stated): gnomAD exomes below 0.00001.
gnomAD v4.1: 3 of 1,613,916 alleles (0.00019%); highest among the groups gnomAD compares: Non-Finnish European, 0.00025%; no homozygotes.

Submission:

CSER _CC_NCGL, University of Washington
Classification: Uncertain significance for Familial thoracic aortic aneurysm. Last evaluated: 2016-10-01. Review status: criteria provided, single submitter. Criteria: Amendola et al. (Genome Res. 2015). Collection method: research. Allele origin: germline. Affected: no. Study: CSER - NEXT Medicine variant annotation.
Comment: No known history of familial thoracic aortic aneurysm. This interpretation considers GERP score and allele frequency data, in addition to published reports of the variant in the literature, available at the time of review.